The following is an entry in ClinVar:

ClinVar aggregate classification (germline): Uncertain significance. Review status: reviewed by expert panel (3 of 4 stars). 7 submissions from 7 submitters: Uncertain significance (1). 6 of the submissions do not count toward it. Last evaluated 2024-08-06.

Conditions:
Glycogen storage disease, type II (IOPD). Also called: GLYCOGENOSIS, GENERALIZED, CARDIAC FORM; GSD II; POMPE DISEASE, INFANTILE-ONSET; GLYCOGEN STORAGE DISEASE II, INFANTILE-ONSET; ACID ALPHA-GLUCOSIDASE DEFICIENCY, INFANTILE-ONSET; GAA DEFICIENCY, INFANTILE-ONSET. Identifiers: Orphanet 365, MedGen C0017921, MONDO:0009290, OMIM 232300.

Allele frequency attached by ClinVar (database versions not stated): TOPMed 0.00001; gnomAD exomes 0.00002 and 0.00003; ExAC 0.00003; gnomAD 0.00001.

Submissions (7):

ClinGen Lysosomal Storage Disorder Variant Curation Expert Panel
Classification: Uncertain significance for Glycogen storage disease, type II. Last evaluated: 2024-08-06. Review status: reviewed by expert panel. Criteria: clingen_lsd_acmg_specifications_v2-1. Collection method: curation. Allele origin: germline. Inheritance: Autosomal recessive inheritance.
Comment: The NM_000152.5:c.842G>A variant in GAA is a missense variant predicted to cause substitution of Arg by Gln at amino acid 281 (p.Arg281Gln). To our knowledge, this variant has not been reported in the literature in a patient with Pompe disease and the results of functional studies are not available. The highest population minor allele frequency in gnomAD v2.1.1 is 0.00028 (2/7098 alleles) in the Other population, which is lower than the ClinGen Lysosomal Diseases VCEP’s threshold for PM2 (<0.001), meeting this criterion (PM2_Supporting). The computational predictor REVEL gives a score of 0.747 which is above the thresholds predicting a damaging (>0.7) impact on GAA function. Thus met PP3 criteria. Another missense variant (c.841C>T, p.Arg281Trp) (PMID: 23430949, ClinVar Variation ID 283894) in the same codon has been classified as likely pathogenic for Pompe disease by the ClinGen Lysosomal Diseases VCEP (PM5_Supporting). There is a ClinVar entry for this variant (Variation ID: 864108). In summary, this variant meets the criteria to be classified as Uncertain significance for Pompe disease based on the ACMG/AMP criteria applied, as specified by the ClinGen Lysosomal Diseases Variant Curation Expert panel (specifications Version 2.0): PM2_supporting, PP3, PM5_supporting. (Classification approved by the ClinGen Lysosomal Diseases Variant Curation Expert Panel on August 6, 2024).

Labcorp Genetics (formerly Invitae), Labcorp
Classification: Likely pathogenic for Glycogen storage disease, type II. Last evaluated: 2026-01-06. Review status: criteria provided, single submitter. Criteria: Invitae Variant Classification Sherloc (09022015). Collection method: clinical testing. Allele origin: germline. Not counted in ClinVar's aggregate classification.
Comment: This sequence change replaces arginine, which is basic and polar, with glutamine, which is neutral and polar, at codon 281 of the GAA protein (p.Arg281Gln). This variant is present in population databases (rs772607616, gnomAD 0.005%). This missense change has been observed in individual(s) with clinical features of GAA-related conditions (PMID: 38127101). ClinVar contains an entry for this variant (Variation ID: 864108). Invitae Evidence Modeling of protein sequence and biophysical properties (such as structural, functional, and spatial information, amino acid conservation, physicochemical variation, residue mobility, and thermodynamic stability) indicates that this missense variant is expected to disrupt GAA protein function with a positive predictive value of 95%. This variant disrupts the p.Arg281 amino acid residue in GAA. Other variant(s) that disrupt this residue have been determined to be pathogenic (internal data). This suggests that this residue is clinically significant, and that variants that disrupt this residue are likely to be disease-causing. In summary, the currently available evidence indicates that the variant is pathogenic, but additional data are needed to prove that conclusively. Therefore, this variant has been classified as Likely Pathogenic.

GeneDx
Classification: Uncertain significance. Last evaluated: 2025-10-10. Review status: criteria provided, single submitter. Criteria: GeneDx Variant Classification Process June 2021. Collection method: clinical testing. Allele origin: germline. Affected: yes. Not counted in ClinVar's aggregate classification.
Comment: Reported with a second variant in GAA in a patient with a neuromuscular disorder; the phase of these variants was not reported and GAA activity was mildly reduced (PMID: 38127101); In silico analysis supports that this missense variant has a deleterious effect on protein structure/function; Not observed at significant frequency in large population cohorts (gnomAD); This variant is associated with the following publications: (PMID: 19343043, 22253258, 38127101)

Women's Health and Genetics/Laboratory Corporation of America, LabCorp
Classification: Uncertain significance. Last evaluated: 2025-03-28. Review status: criteria provided, single submitter. Criteria: LabCorp Variant Classification Summary - May 2015. Collection method: clinical testing. Allele origin: germline. Not counted in ClinVar's aggregate classification.
Comment: Variant summary: GAA c.842G>A (p.Arg281Gln) results in a conservative amino acid change in the encoded protein sequence. Four of five in-silico tools predict a damaging effect of the variant on protein function. The variant allele was found at a frequency of 2.8e-05 in 246712 control chromosomes. The available data on variant occurrences in the general population are insufficient to allow any conclusion about variant significance. c.842G>A has been reported in the presumed compound heterozygous state in the literature in at least 1 individual affected with clinical features of Glycogen Storage Disease, Type 2 (Pompe Disease) (example, Krenn_2024). These data do not allow any conclusion about variant significance. A different variant affecting the same codon has been classified as likely pathogenic/pathogenic at Labcorp (c.841C>T, p.Arg281Trp), supporting the critical relevance of codon 281 to GAA protein function. To our knowledge, no experimental evidence demonstrating an impact on protein function has been reported. The following publication has been ascertained in the context of this evaluation (PMID: 38127101). ClinVar contains an entry for this variant (Variation ID: 864108). Based on the evidence outlined above, the variant was classified as VUS-possibly pathogenic.

Revvity Omics, Revvity
Classification: Uncertain significance. Last evaluated: 2022-04-05. Review status: criteria provided, single submitter. Criteria: ACMG Guidelines, 2015. Collection method: clinical testing. Allele origin: germline. Not counted in ClinVar's aggregate classification.

Genome-Nilou Lab
Classification: Uncertain significance for Glycogen storage disease, type II. Last evaluated: 2021-09-05. Review status: criteria provided, single submitter. Criteria: ACMG Guidelines, 2015. Collection method: clinical testing. Allele origin: germline. Affected: no. Not counted in ClinVar's aggregate classification.

Natera, Inc.
Classification: Uncertain significance for Glycogen storage disease type II. Last evaluated: 2020-02-13. Review status: no assertion criteria provided. Collection method: clinical testing. Allele origin: germline. Not counted in ClinVar's aggregate classification.

Literature cited by the submitters: PubMed 38127101 (cited by Labcorp Genetics (formerly Invitae), Labcorp and Women's Health and Genetics/Laboratory Corporation of America, LabCorp).

NM_000152.5(GAA):c.842G>A (p.Arg281Gln)

Gene: GAA (alpha glucosidase; plus strand). Cytogenetic location: 17q25.3.
Variant type: single nucleotide variant.
Coding change: c.842G>A on transcript NM_000152.5 (MANE Select); coding-DNA position 842, G replaced by A.
Protein change: p.Arg281Gln; replaces arginine 281 with glutamine.
Molecular consequence: missense variant.
Genome position (GRCh38, 1-based): chr17:80,107,706, G>A. VCF-style: chr17-80107706-G-A. GRCh37 (hg19) VCF-style: chr17-78081505-G-A.
Other names: NM_000152.5(GAA):c.842G>A; p.Arg281Gln; c.842G>A, p.Arg281Gln (NM_001079803.3, NM_001079804.3); c.842G>A (NM_000152.4); short protein forms R281Q.
Identifiers: ClinVar variation 864108 (VCV000864108.24), dbSNP rs772607616, ClinGen allele CA8815026.